The following is an entry in ClinVar:

ClinVar aggregate classification (germline): Conflicting classifications of pathogenicity. Review status: criteria provided, conflicting classifications (1 of 4 stars). 2 submissions from 2 submitters: Uncertain significance (1); Likely benign (1). Last evaluated 2025-05-01.

Conditions:
Inborn genetic diseases. Identifiers: MedGen C0950123, MeSH D030342.

Allele frequency attached by ClinVar (database versions not stated): gnomAD 0.00001; gnomAD exomes 0.00002 and below 0.00001; TOPMed 0.00002.
gnomAD v4.1: 24 of 1,614,080 alleles (0.0015%); highest among the groups gnomAD compares: Admixed American, 0.0033%; no homozygotes.

Submissions (2):

Ambry Genetics
Classification: Likely benign for Inborn genetic diseases. Last evaluated: 2025-05-01. Review status: criteria provided, single submitter. Criteria: Ambry Variant Classification Scheme 2023. Collection method: clinical testing. Allele origin: germline.

Labcorp Genetics (formerly Invitae), Labcorp
Classification: Uncertain significance. Last evaluated: 2024-10-15. Review status: criteria provided, single submitter. Criteria: Invitae Variant Classification Sherloc (09022015). Collection method: clinical testing. Allele origin: germline.
Comment: This sequence change replaces arginine, which is basic and polar, with glutamine, which is neutral and polar, at codon 661 of the RGS9 protein (p.Arg661Gln). This variant is present in population databases (no rsID available, gnomAD 0.003%). This variant has not been reported in the literature in individuals affected with RGS9-related conditions. ClinVar contains an entry for this variant (Variation ID: 999124). An algorithm developed to predict the effect of missense changes on protein structure and function outputs the following: PolyPhen-2: "Benign". The glutamine amino acid residue is found in multiple mammalian species, which suggests that this missense change does not adversely affect protein function. In summary, the available evidence is currently insufficient to determine the role of this variant in disease. Therefore, it has been classified as a Variant of Uncertain Significance.

NM_003835.4(RGS9):c.1982G>A (p.Arg661Gln)

Gene: RGS9 (regulator of G protein signaling 9; plus strand). Cytogenetic location: 17q24.1.
Variant type: single nucleotide variant.
Coding change: c.1982G>A on transcript NM_003835.4 (MANE Select); coding-DNA position 1982, G replaced by A.
Protein change: p.Arg661Gln; replaces arginine 661 with glutamine.
Molecular consequence: missense variant.
Genome position (GRCh38, 1-based): chr17:65,227,364, G>A. VCF-style: chr17-65227364-G-A. GRCh37 (hg19) VCF-style: chr17-63223482-G-A.
Other names: c.1973G>A, p.Arg658Gln (NM_001081955.3); c.1982G>A (NM_003835.3); short protein forms R658Q, R661Q.
Identifiers: ClinVar variation 999124 (VCV000999124.6), dbSNP rs1036693027, ClinGen allele CA293085826.